The following is an entry in ClinVar:

ClinVar aggregate classification (germline): Uncertain significance. Review status: criteria provided, multiple submitters, no conflicts (2 of 4 stars). 4 submissions from 2 submitters: Uncertain significance (4). Last evaluated 2023-06-09.

Conditions:
Nephronophthisis. Also called: Juvenile Nephronophthisis. Identifiers: Orphanet 655, MedGen C0687120, MONDO:0019005, HP:0000090.
Renal-hepatic-pancreatic dysplasia 1 (RHPD1). Identifiers: MedGen C3715199, MONDO:0008833, OMIM 208540.
NPHP3-related Meckel-like syndrome. Also called: GOLDSTON SYNDROME; Meckel syndrome type 7. Identifiers: Orphanet 3032, MedGen C2673885, MONDO:0009966, OMIM 267010.
Nephronophthisis 3 (NPHP3). Also called: Adolescent nephronophthisis. Identifiers: Orphanet 655, MedGen C1858392, MONDO:0011456, OMIM 604387.

Allele frequency attached by ClinVar (database versions not stated): gnomAD exomes 0.00001 and 0.00003; ExAC 0.00002.
gnomAD v4.1: 36 of 1,614,094 alleles (0.0022%); highest among the groups gnomAD compares: Non-Finnish European, 0.0029%; no homozygotes.

Submissions (4):

Labcorp Genetics (formerly Invitae), Labcorp
Classification: Uncertain significance for Nephronophthisis. Last evaluated: 2023-06-09. Review status: criteria provided, single submitter. Criteria: Invitae Variant Classification Sherloc (09022015). Collection method: clinical testing. Allele origin: germline.
Comment: In summary, the available evidence is currently insufficient to determine the role of this variant in disease. Therefore, it has been classified as a Variant of Uncertain Significance. Advanced modeling of protein sequence and biophysical properties (such as structural, functional, and spatial information, amino acid conservation, physicochemical variation, residue mobility, and thermodynamic stability) performed at Invitae indicates that this missense variant is not expected to disrupt NPHP3 protein function. ClinVar contains an entry for this variant (Variation ID: 343374). This variant has not been reported in the literature in individuals affected with NPHP3-related conditions. This variant is present in population databases (rs766281273, gnomAD 0.003%). This sequence change replaces glutamic acid, which is acidic and polar, with alanine, which is neutral and non-polar, at codon 1292 of the NPHP3 protein (p.Glu1292Ala).

Illumina Laboratory Services, Illumina
Classification: Uncertain significance for Nephronophthisis 3. Last evaluated: 2018-01-13. Review status: criteria provided, single submitter. Criteria: ICSL Variant Classification Criteria 13 December 2019. Collection method: clinical testing. Allele origin: germline.

Illumina Laboratory Services, Illumina
Classification: Uncertain significance for NPHP3-related Meckel-like syndrome. Last evaluated: 2018-01-13. Review status: criteria provided, single submitter. Criteria: ICSL Variant Classification Criteria 13 December 2019. Collection method: clinical testing. Allele origin: germline.

Illumina Laboratory Services, Illumina
Classification: Uncertain significance for Renal-hepatic-pancreatic dysplasia 1. Last evaluated: 2018-01-13. Review status: criteria provided, single submitter. Criteria: ICSL Variant Classification Criteria 13 December 2019. Collection method: clinical testing. Allele origin: germline.

NM_153240.5(NPHP3):c.3875A>C (p.Glu1292Ala)

Genes: NPHP3 (nephrocystin 3; minus strand), NPHP3-ACAD11 (NPHP3-ACAD11 readthrough (NMD candidate); minus strand). Cytogenetic location: 3q22.1.
Variant type: single nucleotide variant.
Coding change: c.3875A>C on transcript NM_153240.5 (MANE Select); coding-DNA position 3875, A replaced by C.
Protein change: p.Glu1292Ala; replaces glutamic acid 1292 with alanine.
Molecular consequence: missense variant. On other transcripts: non-coding transcript variant (1).
Genome position (GRCh38, 1-based): chr3:132,682,028, T>G on the plus strand (A>C on the coding strand, the complement: NPHP3 is on the minus strand). VCF-style: chr3-132682028-T-G. GRCh37 (hg19) VCF-style: chr3-132400872-T-G.
Other names: short protein forms E1292A.
Identifiers: ClinVar variation 343374 (VCV000343374.8), dbSNP rs766281273, ClinGen allele CA2621612.